The following is an entry in ClinVar:

NM_002693.3(POLG):c.3228C>G (p.Gly1076=)

Gene: POLG (DNA polymerase gamma, catalytic subunit; minus strand). Cytogenetic location: 15q26.1.
Variant type: single nucleotide variant.
Coding change: c.3228C>G on transcript NM_002693.3 (MANE Select); coding-DNA position 3228, C replaced by G.
Protein change: p.Gly1076=; no amino-acid change (glycine 1076 retained).
Molecular consequence: synonymous variant.
Genome position (GRCh38, 1-based): chr15:89,318,976, G>C on the plus strand (C>G on the coding strand, the complement: POLG is on the minus strand). VCF-style: chr15-89318976-G-C. GRCh37 (hg19) VCF-style: chr15-89862207-G-C.
Other names: c.3228C>G, p.Gly1076= (NM_001126131.2).
Identifiers: ClinVar variation 619482 (VCV000619482.9), dbSNP rs777893046, ClinGen allele CA7724204.

ClinVar aggregate classification (germline): Likely benign. Review status: criteria provided, multiple submitters, no conflicts (2 of 4 stars). 2 submissions from 2 submitters: Likely benign (2). Last evaluated 2024-11-07.

Conditions:
Progressive sclerosing poliodystrophy (MTDPS4A). Also called: Alpers-Huttenlocher Syndrome (AHS); Alpers Syndrome; ALPERS PROGRESSIVE INFANTILE POLIODYSTROPHY; Mitochondrial DNA depletion syndrome 4A (Alpers type); ALPERS DIFFUSE DEGENERATION OF CEREBRAL GRAY MATTER WITH HEPATIC CIRRHOSIS; Alpers-Huttenlocher Syndrome. Identifiers: Orphanet 726, MedGen C0205710, MONDO:0008758, OMIM 203700.

Allele frequency attached by ClinVar (database versions not stated): gnomAD exomes below 0.00001 and 0.00001; TOPMed below 0.00001; ExAC 0.00001.
gnomAD v4.1: 1 of 1,614,142 alleles (0.000062%); highest among the groups gnomAD compares: Admixed American, 0.0017%; no homozygotes.

Submissions (2):

Labcorp Genetics (formerly Invitae), Labcorp
Classification: Likely benign for Progressive sclerosing poliodystrophy. Last evaluated: 2024-11-07. Review status: criteria provided, single submitter. Criteria: Invitae Variant Classification Sherloc (09022015). Collection method: clinical testing. Allele origin: germline.

Wong Mito Lab, Molecular and Human Genetics, Baylor College of Medicine
Classification: Likely benign for Progressive sclerosing poliodystrophy. Last evaluated: 2018-10-01. Review status: criteria provided, single submitter. Criteria: ACMG Guidelines, 2015. Collection method: clinical testing. Allele origin: germline.
Comment: The NM_002693.2:c.3228C>G (NP_002684.1:p.Gly1076=) [GRCH38: NC_000015.10:g.89318976G>C] variant in POLG gene is interpretated to be a Likely Benign based on ACMG guidelines (PMID: 25741868). This variant meets the following evidence codes reported in the ACMG-guideline. BP4:Computational evidence/predictors indicate no impact on the POLG structure, function, or protein-protein interaction. BP7:The variant is silent with non predicted splice impact. Based on the evidence criteria codes applied, the variant is suggested to be Likely Benign.